The following is an entry in ClinVar:

ClinVar aggregate classification (germline): Benign/Likely benign. Review status: criteria provided, multiple submitters, no conflicts (2 of 4 stars). 5 submissions from 5 submitters: Benign (4); Likely benign (1). Last evaluated 2025-12-01.

Conditions:
Cardiovascular phenotype. Identifiers: MedGen CN230736.

Allele frequency attached by ClinVar (database versions not stated): gnomAD exomes 0.00035; gnomAD 0.00370 and 0.00391; TOPMed 0.00415; 1000 Genomes Project 0.00459; ESP Exome Variant Server 0.00461; 1000 Genomes Project 30x 0.00468.
gnomAD v4.1: 1,062 of 1,524,724 alleles (0.07%); highest among the groups gnomAD compares: African/African-American, 1.4%; 6 homozygotes.

Submissions (5):

Labcorp Genetics (formerly Invitae), Labcorp
Classification: Benign. Last evaluated: 2025-12-01. Review status: criteria provided, single submitter. Criteria: Invitae Variant Classification Sherloc (09022015). Collection method: clinical testing. Allele origin: germline.

ARUP Laboratories, Molecular Genetics and Genomics, ARUP Laboratories
Classification: Benign. Last evaluated: 2025-04-09. Review status: criteria provided, single submitter. Criteria: ARUP Molecular Germline Variant Investigation Process 2024. Collection method: clinical testing. Allele origin: germline.

Blueprint Genetics
Classification: Likely benign. Last evaluated: 2024-09-18. Review status: criteria provided, single submitter. Criteria: ACMG Guidelines, 2015. Collection method: clinical testing. Allele origin: germline.

Mayo Clinic Laboratories, Mayo Clinic
Classification: Benign. Last evaluated: 2024-03-21. Review status: criteria provided, single submitter. Criteria: ACMG Guidelines, 2015. Collection method: clinical testing. Allele origin: germline. Observed: 4 variant alleles.
Comment: BS1, BS2, BP4

Ambry Genetics
Classification: Benign for Cardiovascular phenotype. Last evaluated: 2021-03-17. Review status: criteria provided, single submitter. Criteria: Ambry Variant Classification Scheme 2023. Collection method: clinical testing. Allele origin: germline.

NM_004444.5(EPHB4):c.2644G>A (p.Ala882Thr)

Genes: EPHB4 (EPH receptor B4; minus strand), LOC126860124 (CDK7 strongly-dependent group 2 enhancer GRCh37_chr7:100403701-100404900; plus strand). Cytogenetic location: 7q22.1.
Variant type: single nucleotide variant.
Coding change: c.2644G>A on transcript NM_004444.5 (MANE Select); coding-DNA position 2644, G replaced by A.
Protein change: p.Ala882Thr; replaces alanine 882 with threonine.
Molecular consequence: missense variant.
Genome position (GRCh38, 1-based): chr7:100,805,535, C>T on the plus strand (G>A on the coding strand, the complement: EPHB4 is on the minus strand). VCF-style: chr7-100805535-C-T. GRCh37 (hg19) VCF-style: chr7-100403157-C-T.
Other names: p.Ala882Thr; short protein forms A882T.
Identifiers: ClinVar variation 768187 (VCV000768187.16), dbSNP rs34918225, ClinGen allele CA4392591.
Genomic context (GRCh38, chr7:100,805,535, plus strand): 5'-GAGGGCCCATTCTCTGCAGTCCTCACCCGCCATTCTCCCGGGCCACGATTTTGAGGCTGG[C>T]GGGGTTCCGGATCATCTTGTCCAGGGCGCTGACCACCTGGGGGAAGCGGGGCCGGGCATT-3'
Protein context (NP_004435.3, residues 872-892): SALDKMIRNP[Ala882Thr]SLKIVARENG